The following is an entry in ClinVar:

NM_007254.4(PNKP):c.816+4_816+22del

Gene: PNKP (polynucleotide kinase 3'-phosphatase; minus strand). Cytogenetic location: 19q13.33.
Variant type: Deletion.
Coding change: c.816+4_816+22del on transcript NM_007254.4 (MANE Select); bases 4 to 22 of the intron after coding-DNA position 816, 19 bases deleted (AGTCTTGCAGCCTGCCCGG).
Molecular consequence: intron variant.
Genome position (GRCh38, 1-based): chr19:49,863,667-49,863,685, CCGGGCAGGCTGCAAGACT deleted on the plus strand (AGTCTTGCAGCCTGCCCGG on the coding strand, the reverse complement: PNKP is on the minus strand); deleting any 19 consecutive bases within chr19:49,863,667-49,863,686 gives the same sequence; the c. name uses the placement nearest the transcript's 3' end. VCF-style (leftmost placement, unchanged base first): chr19-49863666-GCCGGGCAGGCTGCAAGACT-G. GRCh37 (hg19) VCF-style: chr19-50366923-GCCGGGCAGGCTGCAAGACT-G.
Identifiers: ClinVar variation 1364522 (VCV001364522.6), dbSNP rs2122333064, ClinGen allele CA2573156624.

ClinVar aggregate classification (germline): Uncertain significance (1 of 4 stars; one submission).

Conditions:
Developmental and epileptic encephalopathy, 12 (DEE12). Identifiers: MedGen C3150988, MONDO:0013389, OMIM 613722.

Submission:

Labcorp Genetics (formerly Invitae), Labcorp
Classification: Uncertain significance for Developmental and epileptic encephalopathy, 12. Last evaluated: 2022-07-26. Review status: criteria provided, single submitter. Criteria: Invitae Variant Classification Sherloc (09022015). Collection method: clinical testing. Allele origin: germline.
Comment: This variant has not been reported in the literature in individuals affected with PNKP-related conditions. In summary, the available evidence is currently insufficient to determine the role of this variant in disease. Therefore, it has been classified as a Variant of Uncertain Significance. Variants that disrupt the consensus splice site are a relatively common cause of aberrant splicing (PMID: 17576681, 9536098). Algorithms developed to predict the effect of sequence changes on RNA splicing suggest that this variant is not likely to affect RNA splicing. ClinVar contains an entry for this variant (Variation ID: 1364522). This variant is not present in population databases (gnomAD no frequency). This sequence change falls in intron 8 of the PNKP gene. It does not directly change the encoded amino acid sequence of the PNKP protein. It affects a nucleotide within the consensus splice site.

Literature cited by the submitters: PubMed 17576681; PubMed 9536098.